The following is an entry in ClinVar:

ClinVar aggregate classification (germline): Benign/Likely benign. Review status: criteria provided, multiple submitters, no conflicts (2 of 4 stars). 2 submissions from 2 submitters: Benign (1); Likely benign (1). Last evaluated 2025-03-22.

Conditions:
Familial cancer of breast. Also called: Hereditary breast cancer; hereditary breast carcinoma; BREAST CANCER, FAMILIAL. Identifiers: Orphanet 227535, MedGen C0346153, MONDO:0016419, OMIM 114480. Disease mechanism: loss of function.

Allele frequency attached by ClinVar (database versions not stated): gnomAD exomes below 0.00001; ExAC 0.00001; gnomAD 0.00001.
gnomAD v4.1: 1 of 1,614,062 alleles (0.000062%); highest among the groups gnomAD compares: Non-Finnish European, 0.000085%; no homozygotes.

Submissions (2):

Labcorp Genetics (formerly Invitae), Labcorp
Classification: Likely benign for Familial cancer of breast. Last evaluated: 2025-03-22. Review status: criteria provided, single submitter. Criteria: Invitae Variant Classification Sherloc (09022015). Collection method: clinical testing. Allele origin: germline.

Myriad Genetics, Inc.
Classification: Benign for Familial cancer of breast. Last evaluated: 2024-07-30. Review status: criteria provided, single submitter. Criteria: Myriad Autosomal Dominant, Autosomal Recessive and X-Linked Classification Criteria (2023). Collection method: clinical testing. Allele origin: unknown.
Comment: This variant is considered benign. This variant is a silent/synonymous amino acid change and it is not expected to impact splicing.

NM_000465.4(BARD1):c.2211C>T (p.Ile737=)

Gene: BARD1 (BRCA1 associated RING domain 1; minus strand). Cytogenetic location: 2q35.
Variant type: single nucleotide variant.
Coding change: c.2211C>T on transcript NM_000465.4 (MANE Select); coding-DNA position 2211, C replaced by T.
Protein change: p.Ile737=; no amino-acid change (isoleucine 737 retained).
Molecular consequence: synonymous variant. On other transcripts: non-coding transcript variant (3).
Genome position (GRCh38, 1-based): chr2:214,728,799, G>A on the plus strand (C>T on the coding strand, the complement: BARD1 is on the minus strand). VCF-style: chr2-214728799-G-A. GRCh37 (hg19) VCF-style: chr2-215593523-G-A.
Other names: c.2154C>T, p.Ile718= (NM_001282543.2); c.858C>T, p.Ile286= (NM_001282545.2); c.801C>T, p.Ile267= (NM_001282548.2); c.672C>T, p.Ile224= (NM_001282549.2).
Identifiers: ClinVar variation 414125 (VCV000414125.11), dbSNP rs773958595, ClinGen allele CA2090060.